The following is an entry in ClinVar:

NC_000017.11:g.(?_61743003)_(61781015_?)dup

Gene: BRIP1 (BRCA1 interacting DNA helicase 1; minus strand). Cytogenetic location: 17q23.2.
Variant type: Duplication.
Identifiers: ClinVar variation 833113 (VCV000833113.2).

ClinVar aggregate classification (germline): Uncertain significance (1 of 4 stars; one submission).

Conditions:
Familial cancer of breast. Also called: BREAST CANCER, FAMILIAL; hereditary breast carcinoma; Hereditary breast cancer. Identifiers: Orphanet 227535, MedGen C0346153, MONDO:0016419, OMIM 114480. Disease mechanism: loss of function.
Fanconi anemia complementation group J. Also called: BRIP1-Related Fanconi Anemia. Identifiers: Orphanet 84, MedGen C1836860, MONDO:0012187, OMIM 609054.

Submission:

Labcorp Genetics (formerly Invitae), Labcorp
Classification: Uncertain significance for Hereditary Breast Carcinoma; Fanconi anemia, complementation group J. Last evaluated: 2019-09-18. Review status: criteria provided, single submitter. Criteria: Invitae Variant Classification Sherloc (09022015). Collection method: clinical testing. Allele origin: germline.
Comment: This variant results in a copy number gain of the genomic region encompassing exons 7-16 of the BRIP1 gene. While the exact position of this variant cannot be determined from this data, sub-genic copy number gains are generally in tandem (PMID: 25640679). This variant would be expected to be in-frame, preserving the integrity of the reading frame. This variant has not been reported in the literature in individuals with BRIP1-related conditions. Experimental studies and prediction algorithms are not available or were not evaluated for this variant, and the functional significance of this variant is currently unknown. In summary, the available evidence is currently insufficient to determine the role of this variant in disease. Therefore, it has been classified as a Variant of Uncertain Significance.